The following is an entry in ClinVar:

NM_139321.3(ATRN):c.902C>T (p.Ser301Leu)

Gene: ATRN (attractin; plus strand). Cytogenetic location: 20p13.
Variant type: single nucleotide variant.
Coding change: c.902C>T on transcript NM_139321.3 (MANE Select); coding-DNA position 902, C replaced by T.
Protein change: p.Ser301Leu; replaces serine 301 with leucine.
Molecular consequence: missense variant.
Genome position (GRCh38, 1-based): chr20:3,547,448, C>T. VCF-style: chr20-3547448-C-T. GRCh37 (hg19) VCF-style: chr20-3528095-C-T.
Other names: c.554C>T, p.Ser185Leu (NM_001207047.3); c.902C>T, p.Ser301Leu (NM_001323332.2, NM_139322.4); short protein forms S185L, S301L.
Identifiers: ClinVar variation 2132884 (VCV002132884.4), dbSNP rs2514494559, ClinGen allele CA408253428.

ClinVar aggregate classification (germline): Uncertain significance (1 of 4 stars; one submission).

Allele frequency attached by ClinVar (database versions not stated): gnomAD exomes 0.00001.
gnomAD v4.1: 4 of 1,614,158 alleles (0.00025%); highest among the groups gnomAD compares: South Asian, 0.0044%; no homozygotes.

Submission:

Labcorp Genetics (formerly Invitae), Labcorp
Classification: Uncertain significance. Last evaluated: 2026-01-19. Review status: criteria provided, single submitter. Criteria: Invitae Variant Classification Sherloc (09022015). Collection method: clinical testing. Allele origin: germline.
Comment: This sequence change replaces serine, which is neutral and polar, with leucine, which is neutral and non-polar, at codon 301 of the ATRN protein (p.Ser301Leu). This variant is not present in population databases (gnomAD no frequency). This variant has not been reported in the literature in individuals affected with ATRN-related conditions. ClinVar contains an entry for this variant (Variation ID: 2132884). An algorithm developed to predict the effect of missense changes on protein structure and function (PolyPhen-2) suggests that this variant is likely to be tolerated. In summary, the available evidence is currently insufficient to determine the role of this variant in disease. Therefore, it has been classified as a Variant of Uncertain Significance.